The following is an entry in ClinVar:

NM_000038.6(APC):c.3726G>A (p.Gln1242=)

Gene: APC (APC regulator of Wnt signaling pathway; plus strand). Cytogenetic location: 5q22.2.
Variant type: single nucleotide variant.
Coding change: c.3726G>A on transcript NM_000038.6 (MANE Select); coding-DNA position 3726, G replaced by A.
Protein change: p.Gln1242=; no amino-acid change (glutamine 1242 retained).
Molecular consequence: synonymous variant. On other transcripts: non-coding transcript variant (2).
Genome position (GRCh38, 1-based): chr5:112,839,320, G>A. VCF-style: chr5-112839320-G-A. GRCh37 (hg19) VCF-style: chr5-112175017-G-A.
Other names: c.3477G>A, p.Gln1159= (NM_001407455.1, NM_001407456.1, NM_001407457.1 and 1 more transcripts); c.3423G>A, p.Gln1141= (NM_001407460.1, NM_001407458.1, NM_001407459.1 and 1 more transcripts); c.3339G>A, p.Gln1113= (NM_001407467.1, NM_001407469.1); c.2877G>A, p.Gln959= (NM_001407470.1, NM_001354906.2); c.2574G>A, p.Gln858= (NM_001407471.1, NM_001407472.1); c.3726G>A, p.Gln1242= (NM_001127510.3, NM_001354895.2, NM_001407450.1); c.3672G>A, p.Gln1224= (NM_001127511.3); c.3780G>A, p.Gln1260= (NM_001354896.2, NM_001407447.1, NM_001407448.1 and 1 more transcripts); and 11 more.
Identifiers: ClinVar variation 3148070 (VCV003148070.1), dbSNP rs1765504362, ClinGen allele CA445963968.

ClinVar aggregate classification (germline): Benign (1 of 4 stars; one submission).

Conditions:
Familial adenomatous polyposis 1 (FAP1). Also called: POLYPOSIS, ADENOMATOUS INTESTINAL; FAMILIAL ADENOMATOUS POLYPOSIS 1, ATTENUATED. Identifiers: MedGen C2713442, MONDO:0021056, OMIM 175100. Disease mechanism: loss of function.

Allele frequency attached by ClinVar (database versions not stated): gnomAD exomes below 0.00001.
gnomAD v4.1: 1 of 1,613,426 alleles (0.000062%); highest among the groups gnomAD compares: African/African-American, 0.0013%; no homozygotes.

Submission:

Myriad Genetics, Inc.
Classification: Benign for Familial adenomatous polyposis 1. Last evaluated: 2024-03-22. Review status: criteria provided, single submitter. Criteria: Myriad Autosomal Dominant, Autosomal Recessive and X-Linked Classification Criteria (2023). Collection method: clinical testing. Allele origin: unknown.
Comment: This variant is considered benign. This variant is a silent/synonymous amino acid change and it is not expected to impact splicing.